The following is an entry in ClinVar:

ClinVar aggregate classification (germline): Uncertain significance. Review status: criteria provided, multiple submitters, no conflicts (2 of 4 stars). 2 submissions from 2 submitters: Uncertain significance (2). Last evaluated 2023-06-16.

Conditions:
Ullrich congenital muscular dystrophy 2 (UCMD2). Identifiers: Orphanet 75840, MedGen C4225314, MONDO:0014654, OMIM 616470.
Bethlem myopathy 2 (BTHLM2). Identifiers: Orphanet 536516, Orphanet 610, MedGen C4225313, MONDO:0034022, OMIM 616471.

Allele frequency attached by ClinVar (database versions not stated): gnomAD exomes below 0.00001; TOPMed below 0.00001; ExAC 0.00001; gnomAD 0.00001; ESP Exome Variant Server 0.00008.
gnomAD v4.1: 6 of 1,613,694 alleles (0.00037%); highest among the groups gnomAD compares: South Asian, 0.0022%; no homozygotes.

Submissions (2):

GeneDx
Classification: Uncertain significance. Last evaluated: 2023-06-16. Review status: criteria provided, single submitter. Criteria: GeneDx Variant Classification Process June 2021. Collection method: clinical testing. Allele origin: germline. Affected: yes.
Comment: Has not been previously published as pathogenic or benign to our knowledge; Not observed at significant frequency in large population cohorts (gnomAD); In silico analysis supports that this missense variant does not alter protein structure/function

Labcorp Genetics (formerly Invitae), Labcorp
Classification: Uncertain significance for Bethlem myopathy 2; Ullrich congenital muscular dystrophy 2. Last evaluated: 2022-03-29. Review status: criteria provided, single submitter. Criteria: Invitae Variant Classification Sherloc (09022015). Collection method: clinical testing. Allele origin: germline.
Comment: In summary, the available evidence is currently insufficient to determine the role of this variant in disease. Therefore, it has been classified as a Variant of Uncertain Significance. Algorithms developed to predict the effect of missense changes on protein structure and function output the following: SIFT: "Tolerated"; PolyPhen-2: "Benign"; Align-GVGD: "Class C0". The isoleucine amino acid residue is found in multiple mammalian species, which suggests that this missense change does not adversely affect protein function. This variant has not been reported in the literature in individuals affected with COL12A1-related conditions. This variant is present in population databases (rs374979813, gnomAD 0.01%). This sequence change replaces valine, which is neutral and non-polar, with isoleucine, which is neutral and non-polar, at codon 2746 of the COL12A1 protein (p.Val2746Ile).

NM_004370.6(COL12A1):c.8236G>A (p.Val2746Ile)

Gene: COL12A1 (collagen type XII alpha 1 chain; minus strand). Cytogenetic location: 6q13.
Variant type: single nucleotide variant.
Coding change: c.8236G>A on transcript NM_004370.6 (MANE Select); coding-DNA position 8236, G replaced by A.
Protein change: p.Val2746Ile; replaces valine 2746 with isoleucine.
Molecular consequence: missense variant.
Genome position (GRCh38, 1-based): chr6:75,105,235, C>T on the plus strand (G>A on the coding strand, the complement: COL12A1 is on the minus strand). VCF-style: chr6-75105235-C-T. GRCh37 (hg19) VCF-style: chr6-75814951-C-T.
Other names: c.8236G>A (NM_004370.5); c.4744G>A, p.Val1582Ile (NM_080645.3); short protein forms V1582I, V2746I.
Identifiers: ClinVar variation 2077323 (VCV002077323.5), dbSNP rs374979813, ClinGen allele CA3892340.
Genomic context (GRCh38, chr6:75,105,235, plus strand): 5'-AAAACCAGAGGATCTATTTCAATTTCCTTACTGCAGGGCCTGGAGGTCCTGGAGGTCCAA[C>T]GCTGTCCTGTGTACATGTGCAAGAATTTGGAAAAGCAGGGCATTTTCCCTCATCTCTCTG-3'
Protein context (NP_004361.3, residues 2736-2756): PNSCTCTQDS[Val2746Ile]GPPGPPGPAG